The following is an entry in ClinVar:

NM_014908.4(DOLK):c.1129C>T (p.Arg377Cys)

Gene: DOLK (dolichol kinase; minus strand). Cytogenetic location: 9q34.11.
Variant type: single nucleotide variant.
Coding change: c.1129C>T on transcript NM_014908.4 (MANE Select); coding-DNA position 1129, C replaced by T.
Protein change: p.Arg377Cys; replaces arginine 377 with cysteine.
Molecular consequence: missense variant.
Genome position (GRCh38, 1-based): chr9:128,946,175, G>A on the plus strand (C>T on the coding strand, the complement: DOLK is on the minus strand). VCF-style: chr9-128946175-G-A. GRCh37 (hg19) VCF-style: chr9-131708454-G-A.
Other names: short protein forms R377C.
Identifiers: ClinVar variation 582026 (VCV000582026.11), dbSNP rs868232833, ClinGen allele CA200444607.

ClinVar aggregate classification (germline): Uncertain significance. Review status: criteria provided, multiple submitters, no conflicts (2 of 4 stars). 2 submissions from 2 submitters: Uncertain significance (2). Last evaluated 2024-05-18.

Conditions:
Cardiovascular phenotype. Identifiers: MedGen CN230736.
DK1-congenital disorder of glycosylation. Also called: DOLK-congenital disorder of glycosylation; Carbohydrate deficient glycoprotein syndrome type 1m; CONGENITAL DISORDER OF GLYCOSYLATION, TYPE Im; CDG Im; DK1 DEFICIENCY; DOLICHOL KINASE DEFICIENCY. Identifiers: Orphanet 91131, MedGen C1835849, MONDO:0012556, OMIM 610768.

Allele frequency attached by ClinVar (database versions not stated): gnomAD exomes 0.00001; TOPMed 0.00001.
gnomAD v4.1: 17 of 1,614,176 alleles (0.0011%); highest among the groups gnomAD compares: East Asian, 0.0022%; no homozygotes.

Submissions (2):

Labcorp Genetics (formerly Invitae), Labcorp
Classification: Uncertain significance for DK1-congenital disorder of glycosylation. Last evaluated: 2024-05-18. Review status: criteria provided, single submitter. Criteria: Invitae Variant Classification Sherloc (09022015). Collection method: clinical testing. Allele origin: germline.
Comment: This sequence change replaces arginine, which is basic and polar, with cysteine, which is neutral and slightly polar, at codon 377 of the DOLK protein (p.Arg377Cys). This variant is present in population databases (no rsID available, gnomAD 0.01%). This variant has not been reported in the literature in individuals affected with DOLK-related conditions. ClinVar contains an entry for this variant (Variation ID: 582026). Advanced modeling of protein sequence and biophysical properties (such as structural, functional, and spatial information, amino acid conservation, physicochemical variation, residue mobility, and thermodynamic stability) performed at Invitae indicates that this missense variant is expected to disrupt DOLK protein function with a positive predictive value of 80%. In summary, the available evidence is currently insufficient to determine the role of this variant in disease. Therefore, it has been classified as a Variant of Uncertain Significance.

Ambry Genetics
Classification: Uncertain significance for Cardiovascular phenotype. Last evaluated: 2023-11-28. Review status: criteria provided, single submitter. Criteria: Ambry Variant Classification Scheme 2023. Collection method: clinical testing. Allele origin: germline.
Comment: The p.R377C variant (also known as c.1129C>T), located in coding exon 1 of the DOLK gene, results from a C to T substitution at nucleotide position 1129. The arginine at codon 377 is replaced by cysteine, an amino acid with highly dissimilar properties. This amino acid position is conserved. In addition, this alteration is predicted to be deleterious by in silico analysis. Since supporting evidence is limited at this time, the clinical significance of this alteration remains unclear.